The following is an entry in ClinVar:

NM_007294.4(BRCA1):c.1568T>A (p.Leu523Ter)

Gene: BRCA1 (BRCA1 DNA repair associated; minus strand). Cytogenetic location: 17q21.31.
Variant type: single nucleotide variant.
Coding change: c.1568T>A on transcript NM_007294.4 (MANE Select); coding-DNA position 1568, T replaced by A.
Protein change: p.Leu523Ter; replaces leucine 523 with a stop codon.
Molecular consequence: nonsense. On other transcripts: intron variant (137).
Genome position (GRCh38, 1-based): chr17:43,093,963, A>T on the plus strand (T>A on the coding strand, the complement: BRCA1 is on the minus strand). VCF-style: chr17-43093963-A-T. GRCh37 (hg19) VCF-style: chr17-41245980-A-T.
Other names: c.1568T>A, p.Leu523Ter (NM_001407620.1, NM_001407621.1, NM_001407622.1 and 30 more transcripts); c.1565T>A, p.Leu522Ter (NM_001407627.1, NM_001407628.1, NM_001407629.1 and 22 more transcripts); c.1559T>A, p.Leu520Ter (NM_001407646.1, NM_001407647.1); c.1445T>A, p.Leu482Ter (NM_001407648.1, NM_001407664.1, NM_001407665.1 and 19 more transcripts); c.1442T>A, p.Leu481Ter (NM_001407649.1, NM_001407670.1, NM_001407671.1 and 11 more transcripts); c.1490T>A, p.Leu497Ter (NM_001407653.1, NM_001407654.1, NM_001407655.1 and 4 more transcripts); c.1487T>A, p.Leu496Ter (NM_001407659.1, NM_001407660.1, NM_001407661.1 and 1 more transcripts); c.1355T>A, p.Leu452Ter (NM_001407571.1, NM_001407853.1, NM_001407894.1 and 9 more transcripts); and 40 more; short protein forms L523*, L476*, L395*, L396*, L455*, L496*, L355*, L453*.
Identifiers: ClinVar variation 847303 (VCV000847303.12), dbSNP rs397508885, ClinGen allele CA10598909.

ClinVar aggregate classification (germline): Pathogenic (1 of 4 stars; one submission).

Conditions:
Hereditary breast ovarian cancer syndrome. Also called: Breast and ovarian cancer; Hereditary breast and ovarian cancer; Hereditary breast and/or ovarian cancer syndrome; BRCA1- and BRCA2-Associated Hereditary Breast and Ovarian Cancer; Hereditary breast and ovarian cancer syndrome; Hereditary breast and ovarian cancer syndrome (HBOC). Identifiers: Orphanet 145, MedGen C0677776, MeSH D061325, MONDO:0003582. Disease mechanism: loss of function.

Submission:

Labcorp Genetics (formerly Invitae), Labcorp
Classification: Pathogenic for Hereditary breast ovarian cancer syndrome. Last evaluated: 2020-04-05. Review status: criteria provided, single submitter. Criteria: Invitae Variant Classification Sherloc (09022015). Collection method: clinical testing. Allele origin: germline.
Comment: For these reasons, this variant has been classified as Pathogenic. Loss-of-function variants in BRCA1 are known to be pathogenic (PMID: 20104584). This variant has been observed in an individual with ovarian cancer (PMID: 30078507). This variant is not present in population databases (ExAC no frequency). This sequence change creates a premature translational stop signal (p.Leu523*) in the BRCA1 gene. It is expected to result in an absent or disrupted protein product.

Literature cited by the submitters: PubMed 20104584; PubMed 30078507.